The following is an entry in ClinVar:

ClinVar aggregate classification (germline): Uncertain significance (1 of 4 stars; one submission).

Conditions:
MAGEL2-related disorder. Also called: MAGEL2-related condition.

Submission:

PreventionGenetics, part of Exact Sciences
Classification: Uncertain significance for MAGEL2-related condition. Last evaluated: 2025-07-30. Review status: criteria provided, single submitter. Criteria: ACMG Guidelines, 2015. Collection method: clinical testing. Allele origin: germline.
Comment: The MAGEL2 c.2190C>T variant is not predicted to result in an amino acid change (p.=). To our knowledge, this variant has not been reported in the literature or in a large population database (gnomAD), indicating this variant is rare. At this time, the clinical significance of this variant is uncertain due to the absence of conclusive functional and genetic evidence.

NM_019066.5(MAGEL2):c.2190C>T (p.Gly730=)

Gene: MAGEL2 (MAGE family member L2; minus strand). Cytogenetic location: 15q11.2.
Variant type: single nucleotide variant.
Coding change: c.2190C>T on transcript NM_019066.5 (MANE Select); coding-DNA position 2190, C replaced by T.
Protein change: p.Gly730=; no amino-acid change (glycine 730 retained).
Molecular consequence: synonymous variant.
Genome position (GRCh38, 1-based): chr15:23,645,553, G>A on the plus strand (C>T on the coding strand, the complement: MAGEL2 is on the minus strand). VCF-style: chr15-23645553-G-A. GRCh37 (hg19) VCF-style: chr15-23890700-G-A.
Identifiers: ClinVar variation 4996820 (VCV004996820.1).